The following is an entry in ClinVar:

ClinVar aggregate classification (germline): Benign. Review status: criteria provided, multiple submitters, no conflicts (2 of 4 stars). 3 submissions from 3 submitters: Benign (2). 1 of the submissions does not count toward it. Last evaluated 2026-01-05.

Conditions:
Alkaptonuria (AKU). Also called: Homogentisic acidura; HOMOGENTISIC ACID OXIDASE DEFICIENCY; Alcaptonuria; Alkaptonuric ochronosis. Identifiers: Orphanet 56, MedGen C0002066, MONDO:0008753, OMIM 203500.

Allele frequency attached by ClinVar (database versions not stated): gnomAD 0.00999 and 0.01517; gnomAD exomes 0.01237; TOPMed 0.01537; 1000 Genomes Project 30x 0.06558; 1000 Genomes Project 0.07328.
gnomAD v4.1: 21,044 of 1,602,880 alleles (1.3%); highest among the groups gnomAD compares: East Asian, 28%; 2,062 homozygotes.

Submissions (3):

Labcorp Genetics (formerly Invitae), Labcorp
Classification: Benign for Alkaptonuria. Last evaluated: 2026-01-05. Review status: criteria provided, single submitter. Criteria: Invitae Variant Classification Sherloc (09022015). Collection method: clinical testing. Allele origin: germline.

Breakthrough Genomics
Classification: Benign. Review status: criteria provided, single submitter. Criteria: ACMG Guidelines, 2015. Collection method: not provided. Allele origin: germline. Inheritance: Autosomal recessive inheritance. Affected: yes.

Department Of Human Genetics, Institute Of Clinical And Translational Research, Biomedical Research Center, Slovak Academy Of Sciences
Classification: Benign for Alkaptonuria. Review status: no assertion criteria provided. Collection method: research. Allele origin: germline. Inheritance: Autosomal recessive inheritance. Affected: yes. Observed: 1 variant allele. Not counted in ClinVar's aggregate classification.
Comment: The variant has been submitted to the HGD gene mutation database (DB-ID: AKU_00267). Minigene splicing experiments showed no effect of this intronic variant (ivs9-85A>G) on splicing, as reported in PMID:30737480.

Literature cited by the submitters: PubMed 30737480 (cited by Department Of Human Genetics, Institute Of Clinical And Translational Research, Biomedical Research Center, Slovak Academy Of Sciences).

NM_000187.4(HGD):c.650-85A>G

Gene: HGD (homogentisate 1,2-dioxygenase; minus strand). Cytogenetic location: 3q13.33.
Variant type: single nucleotide variant.
Coding change: c.650-85A>G on transcript NM_000187.4 (MANE Select); 85 bases into the intron before coding-DNA position 650, A replaced by G.
Molecular consequence: intron variant.
Genome position (GRCh38, 1-based): chr3:120,644,528, T>C on the plus strand (A>G on the coding strand, the complement: HGD is on the minus strand). VCF-style: chr3-120644528-T-C. GRCh37 (hg19) VCF-style: chr3-120363375-T-C.
Identifiers: ClinVar variation 785437 (VCV000785437.13), dbSNP rs2075504, ClinGen allele CA81785805.
Genomic context (GRCh38, chr3:120,644,528, plus strand): 5'-TTTTAGAAACTTCCAAAACATAGGAAAGATGCCCATGGTTGCATGAAGAGAAAGGCTTTC[T>C]TTCATGTCAAGAGCTACTCCACAAATTGCTTTCATTGCTCAAAGATTCACTGCATTTCCA-3'